The following is an entry in ClinVar:

ClinVar aggregate classification (germline): Likely benign (1 of 4 stars; one submission).

Conditions:
Intellectual developmental disorder with speech delay, autism, and dysmorphic facies. Identifiers: MedGen C5231456, MONDO:0032864, OMIM 618672.

Submission:

Centre for Medical Genetics,  Mumbai
Classification: Likely benign for Intellectual developmental disorder with speech delay, autism, and dysmorphic facies. Last evaluated: 2026-04-15. Review status: criteria provided, single submitter. Criteria: ACMG Guidelines, 2015. Collection method: provider interpretation. Allele origin: germline. Inheritance: Autosomal dominant inheritance. Affected: no. Observed: 1 variant allele, 1 heterozygote.
Comment: The variant satisfies PM2 criteria - extremely low frequency in gnomAD population databases. The variant satisfies PP2 criteria - missense variant in a gene with low rate of benign missense mutations and for which missense mutation is a common mechanism of a disease. The variant satisfies BP4 criteria - for a missense or a splice region variant, computational prediction tools unanimously support a benign effect on the gene. However, the variant satisfies BS2 criteria - present in heterozygous state in an individual that clinically does not have intellectual developmental disorder with speech delay, autism, and dysmorphic facies

Literature cited by the submitters: PubMed 31201375.

NM_014516.4(CNOT3):c.1447G>A (p.Val483Met)

Gene: CNOT3 (CCR4-NOT transcription complex subunit 3; plus strand). Cytogenetic location: 19q13.42.
Variant type: single nucleotide variant.
Coding change: c.1447G>A on transcript NM_014516.4 (MANE Select); coding-DNA position 1447, G replaced by A.
Protein change: p.Val483Met; replaces valine 483 with methionine.
Molecular consequence: missense variant. On other transcripts: non-coding transcript variant (2).
Genome position (GRCh38, 1-based): chr19:54,149,600, G>A. VCF-style: chr19-54149600-G-A. GRCh37 (hg19) VCF-style: chr19-54653335-G-A.
Other names: c.1450G>A, p.Val484Met (NM_001440653.1, NM_001440655.1, NM_001440657.1 and 3 more transcripts); c.1447G>A, p.Val483Met (NM_001440654.1, NM_001440656.1, NM_001440658.1 and 1 more transcripts); c.904G>A, p.Val302Met (NM_001440659.1, NM_001440660.1); short protein forms V302M, V483M, V484M.
Identifiers: ClinVar variation 4851387 (VCV004851387.1).
Genomic context (GRCh38, chr19:54,149,600, plus strand): 5'-CTTCCATGCTCTCTCTCCAGGAAGGAACCCAGTGCGGCAGCCCCAACGGGGGCTGGGGGC[G>A]TGGCCCCAGGCTCAGGGAACAACTCAGGGGGACCCAGCCTCCTGGTGCCACTGCCTGTGA-3'
Protein context (NP_055331.1, residues 473-493): SAAAPTGAGG[Val483Met]APGSGNNSGG